The following is an entry in ClinVar:

ClinVar aggregate classification (germline): Pathogenic (1 of 4 stars; one submission).

Submission:

Labcorp Genetics (formerly Invitae), Labcorp
Classification: Pathogenic. Last evaluated: 2021-12-09. Review status: criteria provided, single submitter. Criteria: Invitae Variant Classification Sherloc (09022015). Collection method: clinical testing. Allele origin: germline.
Comment: This sequence change creates a premature translational stop signal (p.Glu162*) in the RDH11 gene. It is expected to result in an absent or disrupted protein product. Loss-of-function variants in RDH11 are known to be pathogenic (PMID: 24916380). This variant is not present in population databases (gnomAD no frequency). This variant has not been reported in the literature in individuals affected with RDH11-related conditions. ClinVar contains an entry for this variant (Variation ID: 842721). For these reasons, this variant has been classified as Pathogenic.

Literature cited by the submitters: PubMed 24916380.

NM_016026.4(RDH11):c.484G>T (p.Glu162Ter)

Genes: GPHN (gephyrin; plus strand), RDH11 (retinol dehydrogenase 11; minus strand). Cytogenetic location: 14q24.1.
Variant type: single nucleotide variant.
Coding change: c.484G>T on transcript NM_016026.4 (MANE Select); coding-DNA position 484, G replaced by T.
Protein change: p.Glu162Ter; replaces glutamic acid 162 with a stop codon.
Molecular consequence: nonsense. On other transcripts: intron variant (1).
Genome position (GRCh38, 1-based): chr14:67,690,392, C>A on the plus strand (G>T on the coding strand, the complement: RDH11 is on the minus strand). VCF-style: chr14-67690392-C-A. GRCh37 (hg19) VCF-style: chr14-68157109-C-A.
Other names: c.454+748G>T (NM_001252650.2); short protein forms E162*.
Identifiers: ClinVar variation 842721 (VCV000842721.7), dbSNP rs1017775999, ClinGen allele CA390133885.